The following is an entry in ClinVar:

ClinVar aggregate classification (germline): Uncertain significance (1 of 4 stars; one submission).

Conditions:
Juvenile polyposis syndrome (JPS). Identifiers: Orphanet 2929, MedGen C0345893, MONDO:0017380, OMIM 174900.

Submission:

Labcorp Genetics (formerly Invitae), Labcorp
Classification: Uncertain significance for Juvenile polyposis syndrome. Last evaluated: 2024-06-30. Review status: criteria provided, single submitter. Criteria: Invitae Variant Classification Sherloc (09022015). Collection method: clinical testing. Allele origin: germline.
Comment: This sequence change replaces serine, which is neutral and polar, with isoleucine, which is neutral and non-polar, at codon 463 of the BMPR1A protein (p.Ser463Ile). This variant is not present in population databases (gnomAD no frequency). This variant has not been reported in the literature in individuals affected with BMPR1A-related conditions. Advanced modeling of protein sequence and biophysical properties (such as structural, functional, and spatial information, amino acid conservation, physicochemical variation, residue mobility, and thermodynamic stability) performed at Invitae indicates that this missense variant is not expected to disrupt BMPR1A protein function with a negative predictive value of 80%. In summary, the available evidence is currently insufficient to determine the role of this variant in disease. Therefore, it has been classified as a Variant of Uncertain Significance.

NM_004329.3(BMPR1A):c.1388G>T (p.Ser463Ile)

Gene: BMPR1A (bone morphogenetic protein receptor type 1A; plus strand). Cytogenetic location: 10q23.2.
Variant type: single nucleotide variant.
Coding change: c.1388G>T on transcript NM_004329.3 (MANE Select); coding-DNA position 1388, G replaced by T.
Protein change: p.Ser463Ile; replaces serine 463 with isoleucine.
Molecular consequence: missense variant. On other transcripts: non-coding transcript variant (3).
Genome position (GRCh38, 1-based): chr10:86,923,421, G>T. VCF-style: chr10-86923421-G-T. GRCh37 (hg19) VCF-style: chr10-88683178-G-T.
Other names: c.1463G>T, p.Ser488Ile (NM_001406559.1); c.1436G>T, p.Ser479Ile (NM_001406560.1); c.1388G>T, p.Ser463Ile (NM_001406561.1, NM_001406562.1, NM_001406563.1 and 19 more transcripts); c.1382G>T, p.Ser461Ile (NM_001406583.1); c.1304G>T, p.Ser435Ile (NM_001406584.1, NM_001406585.1, NM_001406586.1 and 2 more transcripts); c.1046G>T, p.Ser349Ile (NM_001406589.1); short protein forms S479I, S488I, S349I, S461I, S435I, S463I.
Identifiers: ClinVar variation 3658267 (VCV003658267.2).